The following is an entry in ClinVar:

ClinVar aggregate classification (germline): Uncertain significance (1 of 4 stars; one submission).

Conditions:
Familial hypercholesterolemia. Also called: Familial hypercholesterolaemia. Identifiers: MedGen C0020445, MONDO:0005439.

Submission:

Color Diagnostics, LLC DBA Color Health
Classification: Uncertain significance for Familial hypercholesterolemia. Last evaluated: 2024-03-06. Review status: criteria provided, single submitter. Criteria: ACMG Guidelines, 2015. Collection method: clinical testing. Allele origin: germline.
Comment: This missense variant replaces threonine with isoleucine at codon 94 of the PCSK9 protein. Computational prediction suggests that this variant may not impact protein structure and function (internally defined REVEL score threshold <= 0.5, PMID: 27666373). Splice site prediction tools suggest that this variant may not impact RNA splicing. To our knowledge, functional studies have not been performed for this variant. This variant has not been reported in individuals affected with familial hypercholesterolemia in the literature. This variant has not been identified in the general population by the Genome Aggregation Database (gnomAD). The available evidence is insufficient to determine the role of this variant in disease conclusively. Therefore, this variant is classified as a Variant of Uncertain Significance.

NM_174936.4(PCSK9):c.281C>T (p.Thr94Ile)

Gene: PCSK9 (proprotein convertase subtilisin/kexin type 9; plus strand). Cytogenetic location: 1p32.3.
Variant type: single nucleotide variant.
Coding change: c.281C>T on transcript NM_174936.4 (MANE Select); coding-DNA position 281, C replaced by T.
Protein change: p.Thr94Ile; replaces threonine 94 with isoleucine.
Molecular consequence: missense variant.
Genome position (GRCh38, 1-based): chr1:55,043,916, C>T. VCF-style: chr1-55043916-C-T. GRCh37 (hg19) VCF-style: chr1-55509589-C-T.
Other names: short protein forms T94I.
Identifiers: ClinVar variation 919578 (VCV000919578.4), dbSNP rs1644615283, ClinGen allele CA340483661.